The following is an entry in ClinVar:

ClinVar aggregate classification (germline): Likely pathogenic (1 of 4 stars; one submission).

Conditions:
WDR72-related disorder. Also called: WDR72-related condition.

Submission:

PreventionGenetics, part of Exact Sciences
Classification: Likely pathogenic for WDR72-related condition. Last evaluated: 2026-03-23. Review status: criteria provided, single submitter. Criteria: ACMG Guidelines, 2015. Collection method: clinical testing. Allele origin: germline.
Comment: The WDR72 c.2693C>A variant is predicted to result in premature protein termination (p.Ser898*). To our knowledge, this variant has not been reported in the literature or in a large population database (gnomAD), indicating this variant is rare. Nonsense variants in WDR72 are expected to be pathogenic. This variant is interpreted as likely pathogenic.

NM_182758.4(WDR72):c.2693C>A (p.Ser898Ter)

Gene: WDR72 (WD repeat domain 72; minus strand). Cytogenetic location: 15q21.3.
Variant type: single nucleotide variant.
Coding change: c.2693C>A on transcript NM_182758.4 (MANE Select); coding-DNA position 2693, C replaced by A.
Protein change: p.Ser898Ter; replaces serine 898 with a stop codon.
Molecular consequence: nonsense. On other transcripts: non-coding transcript variant (1).
Genome position (GRCh38, 1-based): chr15:53,615,513, G>T on the plus strand (C>A on the coding strand, the complement: WDR72 is on the minus strand). VCF-style: chr15-53615513-G-T. GRCh37 (hg19) VCF-style: chr15-53907710-G-T.
Other names: short protein forms S898*.
Identifiers: ClinVar variation 4977759 (VCV004977759.1).